The following is an entry in ClinVar:

NM_007118.4(TRIO):c.1337T>C (p.Met446Thr)

Gene: TRIO (trio Rho guanine nucleotide exchange factor; plus strand). Cytogenetic location: 5p15.2.
Variant type: single nucleotide variant.
Coding change: c.1337T>C on transcript NM_007118.4 (MANE Select); coding-DNA position 1337, T replaced by C.
Protein change: p.Met446Thr; replaces methionine 446 with threonine.
Molecular consequence: missense variant. On other transcripts: non-coding transcript variant (1).
Genome position (GRCh38, 1-based): chr5:14,297,232, T>C. VCF-style: chr5-14297232-T-C. GRCh37 (hg19) VCF-style: chr5-14297341-T-C.
Other names: short protein forms M446T.
Identifiers: ClinVar variation 1678656 (VCV001678656.3), dbSNP rs2152290090, ClinGen allele CA359216965.
Genomic context (GRCh38, chr5:14,297,232, plus strand): 5'-TGGAGCAGGAGTGGAAGGCGTTTGCGGCAGCCCTGGATGAGCGGAGCACCTTGCTGGACA[T>C]GTCCTCCATTTTCCACCAGAAGGCCGAAAAGGTCAGTGCCTTGAACCCCCAGCCCACGAG-3'
Protein context (NP_009049.2, residues 436-456): ALDERSTLLD[Met446Thr]SSIFHQKAEK

ClinVar aggregate classification (germline): Likely pathogenic (0 of 4 stars; one submission).

Conditions:
Tip-toe gait. Also called: Toe walking. Identifiers: MedGen C0427144, HP:0030051.

gnomAD v4.1: 1 of 1,614,076 alleles (0.000062%); highest among the groups gnomAD compares: Non-Finnish European, 0.000085%; no homozygotes.

Submission:

Practice for Gait Abnormalities, David Pomarino, Competency Network Toe Walking C/o Practice Pomarino
Classification: Likely pathogenic for Tip-toe gait. Review status: no assertion criteria provided. Collection method: clinical testing. Allele origin: germline. Affected: yes.
Comment: Hereditary motor sensory neuropathy (HMSN), also known as Charcot-Marie-Tooth Disease (CMT), is the most commonly inherited peripheral polyneuropathy. It constitutes a group of inherited, progressive, motor and sensory peripheral nerve disorders with properties of demyelination, axonal degeneration, or both. It is classified by clinical characteristics, modes of inheritance, electrophysiologic features, metabolic defects, and specific gene markers. Our patients all walk on tiptoe, so they show similar symptoms. When we genetically test them with our toe walking panel, we find that around 90 per cent of them have a genetic variant that explains their toe walking. These can be assigned, for example, to the area of myopathies (such as variants of the COL6A3 gene), the area of hereditary neuropathies (such as variants of the KMT2C gene) or the area of metabolic diseases (such as variants of the PYGM gene). In a smaller group of patients with almost identical symptoms, no abnormality is found in the genes of our panel, but spastic paraplegia can be detected. In another small group of our toe walkers, no abnormalities can be detected in the genes analysed in our toe walking panel, nor do they suffer from spastic paraplegia, as is also the case with healthy children. In contrast to these, however, they show a tiptoe gait. These patients suffer from infantile cerebral palsy, in which toe walking can also be observed.

Literature cited by the submitters: PubMed 37091313.